The following is an entry in ClinVar:

NM_000053.4(ATP7B):c.2071G>C (p.Gly691Arg)

Gene: ATP7B (ATPase copper transporting beta; minus strand). Cytogenetic location: 13q14.3.
Variant type: single nucleotide variant.
Coding change: c.2071G>C on transcript NM_000053.4 (MANE Select); coding-DNA position 2071, G replaced by C.
Protein change: p.Gly691Arg; replaces glycine 691 with arginine.
Molecular consequence: missense variant. On other transcripts: intron variant (2).
Genome position (GRCh38, 1-based): chr13:51,960,198, C>G on the plus strand (G>C on the coding strand, the complement: ATP7B is on the minus strand). VCF-style: chr13-51960198-C-G. GRCh37 (hg19) VCF-style: chr13-52534334-C-G.
Other names: c.1738G>C, p.Gly580Arg (NM_001243182.2); c.2071G>C, p.Gly691Arg (NM_001330578.2, NM_001406511.1, NM_001406512.1 and 16 more transcripts); c.2038G>C, p.Gly680Arg (NM_001406514.1, NM_001406524.1); c.1975G>C, p.Gly659Arg (NM_001406517.1, NM_001406518.1, NM_001406530.1 and 1 more transcripts); c.1870-2591G>C (NM_001005918.3); c.1870-1654G>C (NM_001330579.2); c.1642G>C, p.Gly548Arg (NM_001406539.1); short protein forms G659R, G548R, G580R, G680R, G691R.
Identifiers: ClinVar variation 2180424 (VCV002180424.5), dbSNP rs121908001, ClinGen allele CA388024710.

ClinVar aggregate classification (germline): Pathogenic/Likely pathogenic. Review status: criteria provided, multiple submitters, no conflicts (2 of 4 stars). 2 submissions from 2 submitters: Pathogenic (1); Likely pathogenic (1). Last evaluated 2023-12-29.

Conditions:
Wilson disease (WND). Also called: Wilson's disease. Identifiers: Orphanet 905, MedGen C0019202, MONDO:0010200, OMIM 277900. Disease mechanism: loss of function.

Submissions (2):

Fulgent Genetics
Classification: Likely pathogenic for Wilson disease. Last evaluated: 2023-12-29. Review status: criteria provided, single submitter. Criteria: ACMG Guidelines, 2015. Collection method: clinical testing. Allele origin: germline.

Labcorp Genetics (formerly Invitae), Labcorp
Classification: Pathogenic for Wilson disease. Last evaluated: 2023-01-20. Review status: criteria provided, single submitter. Criteria: Invitae Variant Classification Sherloc (09022015). Collection method: clinical testing. Allele origin: germline.
Comment: For these reasons, this variant has been classified as Pathogenic. This variant disrupts the p.Gly691 amino acid residue in ATP7B. Other variant(s) that disrupt this residue have been determined to be pathogenic (PMID: 25497208). This suggests that this residue is clinically significant, and that variants that disrupt this residue are likely to be disease-causing. Advanced modeling of protein sequence and biophysical properties (such as structural, functional, and spatial information, amino acid conservation, physicochemical variation, residue mobility, and thermodynamic stability) performed at Invitae indicates that this missense variant is expected to disrupt ATP7B protein function. A different variant (c.2071G>A) giving rise to the same protein effect has been determined to be pathogenic (PMID: 17718866, 23389864). This suggests that this variant is also likely to be causative of disease. This variant is not present in population databases (gnomAD no frequency). This sequence change replaces glycine, which is neutral and non-polar, with arginine, which is basic and polar, at codon 691 of the ATP7B protein (p.Gly691Arg).

Literature cited by the submitters: PubMed 25497208 (cited by Labcorp Genetics (formerly Invitae), Labcorp); PubMed 17718866 (cited by Labcorp Genetics (formerly Invitae), Labcorp); PubMed 23389864 (cited by Labcorp Genetics (formerly Invitae), Labcorp).